The following is an entry in ClinVar:

NM_020919.4(ALS2):c.2998A>G (p.Ile1000Val)

Gene: ALS2 (alsin Rho guanine nucleotide exchange factor ALS2; minus strand). Cytogenetic location: 2q33.1.
Variant type: single nucleotide variant.
Coding change: c.2998A>G on transcript NM_020919.4 (MANE Select); coding-DNA position 2998, A replaced by G.
Protein change: p.Ile1000Val; replaces isoleucine 1000 with valine.
Molecular consequence: missense variant.
Genome position (GRCh38, 1-based): chr2:201,726,848, T>C on the plus strand (A>G on the coding strand, the complement: ALS2 is on the minus strand). VCF-style: chr2-201726848-T-C. GRCh37 (hg19) VCF-style: chr2-202591571-T-C.
Other names: c.2998A>G, p.Ile1000Val (NM_001410975.1); short protein forms I1000V.
Identifiers: ClinVar variation 1972546 (VCV001972546.7), dbSNP rs374643927, ClinGen allele CA2058000.

ClinVar aggregate classification (germline): Uncertain significance. Review status: criteria provided, multiple submitters, no conflicts (2 of 4 stars). 2 submissions from 2 submitters: Uncertain significance (2). Last evaluated 2025-01-15.

Conditions:
Inborn genetic diseases. Identifiers: MedGen C0950123, MeSH D030342.
Infantile-onset ascending hereditary spastic paralysis (IAHSP). Also called: Infantile-Onset Ascending Hereditary Spastic Paralysis (IAHSP); Autosomal Recessive Juvenile Amyotrophic Lateral Sclerosis. Identifiers: Orphanet 293168, MedGen C2931441, MONDO:0011797, OMIM 607225. Disease mechanism: loss of function.

Allele frequency attached by ClinVar (database versions not stated): ExAC 0.00003; gnomAD 0.00003; TOPMed 0.00007; ESP Exome Variant Server 0.00008.

Submissions (2):

Ambry Genetics
Classification: Uncertain significance for Inborn genetic diseases. Last evaluated: 2025-01-15. Review status: criteria provided, single submitter. Criteria: Ambry Variant Classification Scheme 2023. Collection method: clinical testing. Allele origin: germline.

Labcorp Genetics (formerly Invitae), Labcorp
Classification: Uncertain significance for Infantile-onset ascending hereditary spastic paralysis. Last evaluated: 2022-01-21. Review status: criteria provided, single submitter. Criteria: Invitae Variant Classification Sherloc (09022015). Collection method: clinical testing. Allele origin: germline.
Comment: This sequence change replaces isoleucine, which is neutral and non-polar, with valine, which is neutral and non-polar, at codon 1000 of the ALS2 protein (p.Ile1000Val). In summary, the available evidence is currently insufficient to determine the role of this variant in disease. Therefore, it has been classified as a Variant of Uncertain Significance. Algorithms developed to predict the effect of sequence changes on RNA splicing suggest that this variant may create or strengthen a splice site. Algorithms developed to predict the effect of missense changes on protein structure and function (SIFT, PolyPhen-2, Align-GVGD) all suggest that this variant is likely to be tolerated. This variant has not been reported in the literature in individuals affected with ALS2-related conditions. This variant is present in population databases (rs374643927, gnomAD 0.02%).